The following is an entry in ClinVar:

NM_020987.5(ANK3):c.5650C>A (p.Pro1884Thr)

Gene: ANK3 (ankyrin 3; minus strand). Cytogenetic location: 10q21.2.
Variant type: single nucleotide variant.
Coding change: c.5650C>A on transcript NM_020987.5 (MANE Select); coding-DNA position 5650, C replaced by A.
Protein change: p.Pro1884Thr; replaces proline 1884 with threonine.
Molecular consequence: missense variant. On other transcripts: intron variant (4).
Genome position (GRCh38, 1-based): chr10:60,075,231, G>T on the plus strand (C>A on the coding strand, the complement: ANK3 is on the minus strand). VCF-style: chr10-60075231-G-T. GRCh37 (hg19) VCF-style: chr10-61834989-G-T.
Other names: c.4387+5306C>A (NM_001204403.2); c.4408+5306C>A (NM_001204404.2); c.4405+5306C>A (NM_001320874.2); c.1807+5306C>A (NM_001149.4); short protein forms P1884T.
Identifiers: ClinVar variation 426655 (VCV000426655.3), dbSNP rs533377631, ClinGen allele CA5511980.

ClinVar aggregate classification (germline): Uncertain significance (1 of 4 stars; one submission).

Allele frequency attached by ClinVar (database versions not stated): gnomAD 0.00001 and 0.00003; gnomAD exomes 0.00001; ExAC 0.00002; 1000 Genomes Project 30x 0.00016; 1000 Genomes Project 0.00020.
gnomAD v4.1: 16 of 1,614,132 alleles (0.00099%); highest among the groups gnomAD compares: South Asian, 0.0033%; no homozygotes.

Submission:

GeneDx
Classification: Uncertain significance. Last evaluated: 2024-08-22. Review status: criteria provided, single submitter. Criteria: GeneDx Variant Classification Process June 2021. Collection method: clinical testing. Allele origin: germline. Affected: yes.
Comment: In silico analysis indicates that this missense variant does not alter protein structure/function; Has not been previously published as pathogenic or benign to our knowledge